The following is an entry in ClinVar:

ClinVar aggregate classification (germline): Pathogenic. Review status: criteria provided, multiple submitters, no conflicts (2 of 4 stars). 2 submissions from 2 submitters: Pathogenic (2). Last evaluated 2026-04-07.

Conditions:
Familial ovarian cancer. Identifiers: MedGen C5679802, MONDO:0016248.

Submissions (2):

Myriad Genetics, Inc.
Classification: Pathogenic for Familial ovarian cancer. Last evaluated: 2026-04-07. Review status: criteria provided, single submitter. Criteria: Myriad Autosomal Dominant, Autosomal Recessive and X-Linked Classification Criteria (2023). Collection method: clinical testing. Allele origin: unknown.
Comment: This variant is considered pathogenic. This variant creates a frameshift predicted to result in premature protein truncation.

GeneDx
Classification: Pathogenic. Last evaluated: 2017-06-22. Review status: criteria provided, single submitter. Criteria: GeneDx Variant Classification (06012015). Collection method: clinical testing. Allele origin: germline. Affected: yes.
Comment: This duplication of one nucleotide in BRIP1 is denoted c.632dupC at the cDNA level and p.Gly212TrpfsX5 (G212WfsX5) at the protein level. The normal sequence, with the base that is duplicated in brackets, is GCCCC[dupC]TGGC. The duplication causes a frameshift which changes a Glycine to a Tryptophan at codon 212, and creates a premature stop codon at position 5 of the new reading frame. Although this variant has not, to our knowledge, been reported in the literature, it is predicted to cause loss of normal protein function through either protein truncation or nonsense-mediated mRNA decay. We consider this variant to be pathogenic.

NM_032043.3(BRIP1):c.632dup (p.Gly212fs)

Gene: BRIP1 (BRCA1 interacting DNA helicase 1; minus strand). Cytogenetic location: 17q23.2.
Variant type: Duplication.
Coding change: c.632dup on transcript NM_032043.3 (MANE Select); coding-DNA position 632, one base duplicated (C; older notation c.632dupC).
Protein change: p.Gly212fs; shifts the reading frame from glycine 212.
Molecular consequence: frameshift variant.
Genome position (GRCh38, 1-based): chr17:61,808,753, G duplicated on the plus strand (C on the coding strand, the reverse complement: BRIP1 is on the minus strand); the first of 5 consecutive G bases (chr17:61,808,753-61,808,757); duplicating any one gives the same sequence. VCF-style (leftmost placement, unchanged base first): chr17-61808752-A-AG. GRCh37 (hg19) VCF-style: chr17-59886113-A-AG.
Other names: c.632dupC (NM_032043.2); short protein forms G212fs.
Identifiers: ClinVar variation 545797 (VCV000545797.3), dbSNP rs1060501779, ClinGen allele CA658823909.